The following is an entry in ClinVar:

NM_000093.5(COL5A1):c.*1287C>T

Genes: COL5A1 (collagen type V alpha 1 chain; plus strand), LOC101448202 (uncharacterized LOC101448202; minus strand). Cytogenetic location: 9q34.3.
Variant type: single nucleotide variant.
Coding change: c.*1287C>T on transcript NM_000093.5 (MANE Select); 1287 bases downstream of the stop codon, C replaced by T.
Molecular consequence: 3 prime UTR variant.
Genome position (GRCh38, 1-based): chr9:134,843,590, C>T. VCF-style: chr9-134843590-C-T. GRCh37 (hg19) VCF-style: chr9-137735436-C-T.
Other names: c.*1287C>T (NM_001278074.1).
Identifiers: ClinVar variation 914683 (VCV000914683.5), dbSNP rs189437752, ClinGen allele CA201121064.

ClinVar aggregate classification (germline): Benign (1 of 4 stars; one submission).

Conditions:
Ehlers-Danlos syndrome, classic type (cEDS). Identifiers: Orphanet 287, MedGen C4225429, MONDO:0007522.

Allele frequency attached by ClinVar (database versions not stated): gnomAD 0.00012 and 0.00014; TOPMed 0.00015; 1000 Genomes Project 0.00040; 1000 Genomes Project 30x 0.00047.

Submission:

Illumina Laboratory Services, Illumina
Classification: Benign for Ehlers-Danlos syndrome, classic type, 1. Last evaluated: 2018-01-13. Review status: criteria provided, single submitter. Criteria: ICSL Variant Classification Criteria 13 December 2019. Collection method: clinical testing. Allele origin: germline.
Comment: This variant was observed in the ICSL laboratory as part of a predisposition screen in an ostensibly healthy population. It had not been previously curated by ICSL or reported in the Human Gene Mutation Database (HGMD: prior to June 1st, 2018), and was therefore a candidate for classification through an automated scoring system. Utilizing variant allele frequency, disease prevalence and penetrance estimates, and inheritance mode, an automated score was calculated to assess if this variant is too frequent to cause the disease. Based on the score and internal cut-off values, a variant classified as benign is not then subjected to further curation. The score for this variant resulted in a classification of benign for this disease.